The following is an entry in ClinVar:

NM_000531.6(OTC):c.216G>A (p.Glu72=)

Gene: OTC (ornithine transcarbamylase; plus strand). Cytogenetic location: Xp11.4.
Variant type: single nucleotide variant.
Coding change: c.216G>A on transcript NM_000531.6 (MANE Select); coding-DNA position 216, G replaced by A.
Protein change: p.Glu72=; no amino-acid change (glutamic acid 72 retained).
Molecular consequence: synonymous variant.
Genome position (GRCh38, 1-based): chrX:38,367,429, G>A. VCF-style: chrX-38367429-G-A. GRCh37 (hg19) VCF-style: chrX-38226682-G-A.
Other names: c.216G>A, p.Glu72= (NM_001407092.1).
Identifiers: ClinVar variation 3073515 (VCV003073515.1), dbSNP rs987967261, ClinGen allele CA327925460.

ClinVar aggregate classification (germline): Likely benign (1 of 4 stars; one submission).

Conditions:
Ornithine carbamoyltransferase deficiency (OTCD). Also called: ORNITHINE TRANSCARBAMYLASE DEFICIENCY; ORNITHINE TRANSCARBAMYLASE DEFICIENCY, HYPERAMMONEMIA DUE TO; OTC DEFICIENCY; Ornithine Carbamoyltransferase Deficiency Disease. Identifiers: Orphanet 664, MedGen C0268542, MONDO:0010703, OMIM 311250.

Allele frequency attached by ClinVar (database versions not stated): gnomAD exomes below 0.00001.
gnomAD v4.1: 2 of 1,200,327 alleles (0.00017%); highest among the groups gnomAD compares: African/African-American, 0.0035%; no homozygotes.

Submission:

All of Us Research Program, National Institutes of Health
Classification: Likely benign for Ornithine carbamoyltransferase deficiency. Last evaluated: 2023-10-02. Review status: criteria provided, single submitter. Criteria: ACMG Guidelines, 2015. Collection method: clinical testing. Allele origin: germline. Inheritance: X-linked inheritance. Observed: 1 variant allele, 1 heterozygote.
Comment: This study involves interpretation of variants in research participants for the purpose of population health screening. Participant phenotype was not available at the time of variant classification. Additional details can be found in publication PMID: 35346344, PMCID: PMC8962531